The following is an entry in ClinVar:

NM_017636.4(TRPM4):c.92+12G>A

Gene: TRPM4 (transient receptor potential cation channel subfamily M member 4; plus strand). Cytogenetic location: 19q13.33.
Variant type: single nucleotide variant.
Coding change: c.92+12G>A on transcript NM_017636.4 (MANE Select); 12 bases into the intron after coding-DNA position 92, G replaced by A.
Molecular consequence: intron variant.
Genome position (GRCh38, 1-based): chr19:49,158,271, G>A. VCF-style: chr19-49158271-G-A. GRCh37 (hg19) VCF-style: chr19-49661528-G-A.
Other names: c.92+12G>A (NM_001195227.2, NM_001321281.2); c.-1281+12G>A (NM_001321282.2); c.-75+12G>A (NM_001321283.2); c.-238+12G>A (NM_001321285.2).
Identifiers: ClinVar variation 329839 (VCV000329839.12), dbSNP rs377431946, ClinGen allele CA9568660.
Genomic context (GRCh38, chr19:49,158,271, plus strand): 5'-TCAAGAAGAAGACCTGCACGACGTTCATAGTTGACTCCACAGATCCGGGGTGAGGAGTTC[G>A]CCCCTGGACTGACCCCAGAGGGTCCGCGGCCCGCTGACCCCGCCCGCGGATGGTCACGCC-3'

ClinVar aggregate classification (germline): Conflicting classifications of pathogenicity. Review status: criteria provided, conflicting classifications (1 of 4 stars). 3 submissions from 3 submitters: Uncertain significance (1); Benign (1); Likely benign (1). Last evaluated 2025-06-15.

Conditions:
Progressive familial heart block type IB (PFHB1B). Identifiers: Orphanet 871, MedGen C1970298, MONDO:0011474, OMIM 604559.

Allele frequency attached by ClinVar (database versions not stated): 1000 Genomes Project 0.00040; 1000 Genomes Project 30x 0.00047.
gnomAD v4.1: 136 of 1,612,844 alleles (0.0084%); highest among the groups gnomAD compares: South Asian, 0.13%; 1 homozygote.

Submissions (3):

Labcorp Genetics (formerly Invitae), Labcorp
Classification: Benign for Progressive familial heart block type IB. Last evaluated: 2025-06-15. Review status: criteria provided, single submitter. Criteria: Invitae Variant Classification Sherloc (09022015). Collection method: clinical testing. Allele origin: germline.

Illumina Laboratory Services, Illumina
Classification: Uncertain significance for Progressive familial heart block type IB. Last evaluated: 2018-01-13. Review status: criteria provided, single submitter. Criteria: ICSL Variant Classification Criteria 13 December 2019. Collection method: clinical testing. Allele origin: germline.

GeneDx
Classification: Likely benign. Last evaluated: 2017-03-02. Review status: criteria provided, single submitter. Criteria: GeneDx Variant Classification (06012015). Collection method: clinical testing. Allele origin: germline. Affected: yes.
Comment: This variant is considered likely benign or benign based on one or more of the following criteria: it is a conservative change, it occurs at a poorly conserved position in the protein, it is predicted to be benign by multiple in silico algorithms, and/or has population frequency not consistent with disease.